The following is an entry in ClinVar:

ClinVar aggregate classification (germline): Uncertain significance. Review status: criteria provided, multiple submitters, no conflicts (2 of 4 stars). 3 submissions from 3 submitters: Uncertain significance (3). Last evaluated 2023-02-16.

Conditions:
Inborn genetic diseases. Identifiers: MedGen C0950123, MeSH D030342.

Allele frequency attached by ClinVar (database versions not stated): gnomAD 0.00001; TOPMed 0.00001; ExAC 0.00002; gnomAD exomes 0.00002.
gnomAD v4.1: 23 of 1,612,334 alleles (0.0014%); highest among the groups gnomAD compares: Middle Eastern, 0.018%; no homozygotes.

Submissions (3):

Ambry Genetics
Classification: Uncertain significance for Inborn genetic diseases. Last evaluated: 2023-02-16. Review status: criteria provided, single submitter. Criteria: Ambry Variant Classification Scheme 2023. Collection method: clinical testing. Allele origin: germline.

Labcorp Genetics (formerly Invitae), Labcorp
Classification: Uncertain significance. Last evaluated: 2022-02-11. Review status: criteria provided, single submitter. Criteria: Invitae Variant Classification Sherloc (09022015). Collection method: clinical testing. Allele origin: germline.
Comment: In summary, the available evidence is currently insufficient to determine the role of this variant in disease. Therefore, it has been classified as a Variant of Uncertain Significance. Algorithms developed to predict the effect of sequence changes on RNA splicing suggest that this variant may create or strengthen a splice site. Algorithms developed to predict the effect of missense changes on protein structure and function (SIFT, PolyPhen-2, Align-GVGD) all suggest that this variant is likely to be tolerated. This variant has not been reported in the literature in individuals affected with ACE-related conditions. This variant is present in population databases (rs776418026, gnomAD 0.003%). This sequence change replaces lysine, which is basic and polar, with arginine, which is basic and polar, at codon 601 of the ACE protein (p.Lys601Arg).

Breakthrough Genomics
Classification: Uncertain significance. Review status: criteria provided, single submitter. Criteria: ACMG Guidelines, 2015. Collection method: not provided. Allele origin: germline. Inheritance: Autosomal recessive inheritance. Affected: yes.

NM_000789.4(ACE):c.1802A>G (p.Lys601Arg)

Gene: ACE (angiotensin I converting enzyme; plus strand). Cytogenetic location: 17q23.3.
Variant type: single nucleotide variant.
Coding change: c.1802A>G on transcript NM_000789.4 (MANE Select); coding-DNA position 1802, A replaced by G.
Protein change: p.Lys601Arg; replaces lysine 601 with arginine.
Molecular consequence: missense variant.
Genome position (GRCh38, 1-based): chr17:63,484,422, A>G. VCF-style: chr17-63484422-A-G. GRCh37 (hg19) VCF-style: chr17-61561783-A-G.
Other names: c.1235A>G, p.Lys412Arg (NM_001382700.1); c.950A>G, p.Lys317Arg (NM_001382701.1); c.1802A>G (NM_000789.3); short protein forms K317R, K601R, K412R.
Identifiers: ClinVar variation 1985393 (VCV001985393.7), dbSNP rs776418026, ClinGen allele CA8699702.